The following is an entry in ClinVar:

ClinVar aggregate classification (germline): Uncertain significance (1 of 4 stars; one submission).

gnomAD v4.1: 13 of 1,211,574 alleles (0.0011%); highest among the groups gnomAD compares: Non-Finnish European, 0.0015%; no homozygotes.

Submission:

GeneDx
Classification: Uncertain significance. Last evaluated: 2023-06-12. Review status: criteria provided, single submitter. Criteria: GeneDx Variant Classification Process June 2021. Collection method: clinical testing. Allele origin: germline. Affected: yes.
Comment: Not observed at significant frequency in large population cohorts (gnomAD); In silico analysis supports that this missense variant does not alter protein structure/function; Has not been previously published as pathogenic or benign to our knowledge

NM_001448.3(GPC4):c.1549G>A (p.Asp517Asn)

Gene: GPC4 (glypican 4; minus strand). Cytogenetic location: Xq26.2.
Variant type: single nucleotide variant.
Coding change: c.1549G>A on transcript NM_001448.3 (MANE Select); coding-DNA position 1549, G replaced by A.
Protein change: p.Asp517Asn; replaces aspartic acid 517 with asparagine.
Molecular consequence: missense variant.
Genome position (GRCh38, 1-based): chrX:133,302,989, C>T on the plus strand (G>A on the coding strand, the complement: GPC4 is on the minus strand). VCF-style: chrX-133302989-C-T. GRCh37 (hg19) VCF-style: chrX-132437017-C-T.
Other names: short protein forms D517N.
Identifiers: ClinVar variation 3359700 (VCV003359700.1).